The following is an entry in ClinVar:

ClinVar aggregate classification (germline): Uncertain significance (1 of 4 stars; one submission).

Allele frequency attached by ClinVar (database versions not stated): gnomAD exomes below 0.00001.
gnomAD v4.1: 1 of 1,612,714 alleles (0.000062%); highest among the groups gnomAD compares: Non-Finnish European, 0.000085%; no homozygotes.

Submission:

Labcorp Genetics (formerly Invitae), Labcorp
Classification: Uncertain significance. Last evaluated: 2022-06-13. Review status: criteria provided, single submitter. Criteria: Invitae Variant Classification Sherloc (09022015). Collection method: clinical testing. Allele origin: germline.
Comment: This variant is present in population databases (no rsID available, gnomAD 0.0009%). In summary, the available evidence is currently insufficient to determine the role of this variant in disease. Therefore, it has been classified as a Variant of Uncertain Significance. Algorithms developed to predict the effect of missense changes on protein structure and function are either unavailable or do not agree on the potential impact of this missense change (SIFT: "Deleterious"; PolyPhen-2: "Probably Damaging"; Align-GVGD: "Class C0"). This variant has not been reported in the literature in individuals affected with PLA2G4A-related conditions. This sequence change replaces isoleucine, which is neutral and non-polar, with methionine, which is neutral and non-polar, at codon 561 of the PLA2G4A protein (p.Ile561Met).

NM_024420.3(PLA2G4A):c.1683A>G (p.Ile561Met)

Gene: PLA2G4A (phospholipase A2 group IVA; plus strand). Cytogenetic location: 1q31.1.
Variant type: single nucleotide variant.
Coding change: c.1683A>G on transcript NM_024420.3 (MANE Select); coding-DNA position 1683, A replaced by G.
Protein change: p.Ile561Met; replaces isoleucine 561 with methionine.
Molecular consequence: missense variant.
Genome position (GRCh38, 1-based): chr1:186,965,512, A>G. VCF-style: chr1-186965512-A-G. GRCh37 (hg19) VCF-style: chr1-186934644-A-G.
Other names: c.1503A>G, p.Ile501Met (NM_001311193.2); short protein forms I501M, I561M.
Identifiers: ClinVar variation 2005807 (VCV002005807.4), dbSNP rs1457932571, ClinGen allele CA343955390.